The following is an entry in ClinVar:

ClinVar aggregate classification (germline): Uncertain significance (1 of 4 stars; one submission).

Conditions:
Spastic paraplegia. Identifiers: MedGen C0037772, HP:0001258.

Allele frequency attached by ClinVar (database versions not stated): 1000 Genomes Project 0.00026; 1000 Genomes Project 30x 0.00042.
gnomAD v4.1: 3 of 1,209,724 alleles (0.00025%); highest among the groups gnomAD compares: African/African-American, 0.0035%; no homozygotes.

Submission:

Labcorp Genetics (formerly Invitae), Labcorp
Classification: Uncertain significance for Spastic paraplegia. Last evaluated: 2022-06-19. Review status: criteria provided, single submitter. Criteria: Invitae Variant Classification Sherloc (09022015). Collection method: clinical testing. Allele origin: germline.
Comment: In summary, the available evidence is currently insufficient to determine the role of this variant in disease. Therefore, it has been classified as a Variant of Uncertain Significance. Advanced modeling of protein sequence and biophysical properties (such as structural, functional, and spatial information, amino acid conservation, physicochemical variation, residue mobility, and thermodynamic stability) performed at Invitae indicates that this missense variant is not expected to disrupt L1CAM protein function. This variant has not been reported in the literature in individuals affected with L1CAM-related conditions. The frequency data for this variant in the population databases is considered unreliable, as metrics indicate poor data quality at this position in the gnomAD database. This sequence change replaces histidine, which is basic and polar, with aspartic acid, which is acidic and polar, at codon 865 of the L1CAM protein (p.His865Asp).

NM_001278116.2(L1CAM):c.2593C>G (p.His865Asp)

Gene: L1CAM (L1 cell adhesion molecule; minus strand). Cytogenetic location: Xq28.
Variant type: single nucleotide variant.
Coding change: c.2593C>G on transcript NM_001278116.2 (MANE Select); coding-DNA position 2593, C replaced by G.
Protein change: p.His865Asp; replaces histidine 865 with aspartic acid.
Molecular consequence: missense variant.
Genome position (GRCh38, 1-based): chrX:153,865,455, G>C on the plus strand (C>G on the coding strand, the complement: L1CAM is on the minus strand). VCF-style: chrX-153865455-G-C. GRCh37 (hg19) VCF-style: chrX-153130910-G-C.
Other names: c.2593C>G, p.His865Asp (NM_000425.5, NM_024003.3); c.2578C>G, p.His860Asp (NM_001143963.2); short protein forms H860D, H865D.
Identifiers: ClinVar variation 2192045 (VCV002192045.4), dbSNP rs202067345, ClinGen allele CA10554134.